The following is an entry in ClinVar:

NM_005476.7(GNE):c.*1068A>T

Gene: GNE (glucosamine (UDP-N-acetyl)-2-epimerase/N-acetylmannosamine kinase; minus strand). Cytogenetic location: 9p13.3.
Variant type: single nucleotide variant.
Coding change: c.*1068A>T on transcript NM_005476.7 (MANE Select); 1068 bases downstream of the stop codon, A replaced by T.
Molecular consequence: 3 prime UTR variant.
Genome position (GRCh38, 1-based): chr9:36,216,297, T>A on the plus strand (A>T on the coding strand, the complement: GNE is on the minus strand). VCF-style: chr9-36216297-T-A. GRCh37 (hg19) VCF-style: chr9-36216294-T-A.
Other names: c.*1068A>T (NM_001128227.3, NM_001190383.3, NM_001190384.3 and 3 more transcripts).
Identifiers: ClinVar variation 913840 (VCV000913840.5), dbSNP rs187875852, ClinGen allele CA5056318.

ClinVar aggregate classification (germline): Benign. Review status: criteria provided, multiple submitters, no conflicts (2 of 4 stars). 3 submissions from 2 submitters: Benign (3). Last evaluated 2018-01-12.

Conditions:
GNE myopathy (NM). Also called: NONAKA DISTAL MYOPATHY; IBM 2; Inclusion body myopathy autosomal recessive; Inclusion body myopathy quadriceps sparing; INCLUSION BODY MYOPATHY, HEREDITARY, AUTOSOMAL RECESSIVE; INCLUSION BODY MYOPATHY 2, AUTOSOMAL RECESSIVE. Identifiers: Orphanet 602, MedGen C1853926, MONDO:0011603, OMIM 605820.
Sialuria. Also called: SIALURIA, FRENCH TYPE; Sialic Acid Storage Disease. Identifiers: Orphanet 3166, MedGen C0342853, MONDO:0010028, OMIM 269921.

Allele frequency attached by ClinVar (database versions not stated): gnomAD exomes 0.00025 and 0.00047; ExAC 0.00028; 1000 Genomes Project 30x 0.00172; 1000 Genomes Project 0.00180; TOPMed 0.00290; gnomAD 0.00387 and 0.00423.
gnomAD v4.1: 491 of 409,204 alleles (0.12%); highest among the groups gnomAD compares: African/African-American, 1.3%; 1 homozygote.

Submissions (3):

Illumina Laboratory Services, Illumina
Classification: Benign for Sialuria. Last evaluated: 2018-01-12. Review status: criteria provided, single submitter. Criteria: ICSL Variant Classification Criteria 13 December 2019. Collection method: clinical testing. Allele origin: germline.
Comment: This variant was observed in the ICSL laboratory as part of a predisposition screen in an ostensibly healthy population. It had not been previously curated by ICSL or reported in the Human Gene Mutation Database (HGMD: prior to June 1st, 2018), and was therefore a candidate for classification through an automated scoring system. Utilizing variant allele frequency, disease prevalence and penetrance estimates, and inheritance mode, an automated score was calculated to assess if this variant is too frequent to cause the disease. Based on the score and internal cut-off values, a variant classified as benign is not then subjected to further curation. The score for this variant resulted in a classification of benign for this disease.

Illumina Laboratory Services, Illumina
Classification: Benign for GNE myopathy. Last evaluated: 2018-01-12. Review status: criteria provided, single submitter. Criteria: ICSL Variant Classification Criteria 13 December 2019. Collection method: clinical testing. Allele origin: germline.
Comment: the same text as in the submission from Illumina Laboratory Services, Illumina above.

Breakthrough Genomics
Classification: Benign. Review status: criteria provided, single submitter. Criteria: ACMG Guidelines, 2015. Collection method: not provided. Allele origin: germline. Inheritance: Autosomal recessive inheritance. Affected: yes.